The following is an entry in ClinVar:

ClinVar aggregate classification (germline): Uncertain significance (1 of 4 stars; one submission).

Allele frequency attached by ClinVar (database versions not stated): gnomAD exomes below 0.00001; ExAC 0.00001.

Submission:

Labcorp Genetics (formerly Invitae), Labcorp
Classification: Uncertain significance. Last evaluated: 2023-07-27. Review status: criteria provided, single submitter. Criteria: Invitae Variant Classification Sherloc (09022015). Collection method: clinical testing. Allele origin: germline.
Comment: This sequence change replaces threonine, which is neutral and polar, with isoleucine, which is neutral and non-polar, at codon 444 of the ABCB6 protein (p.Thr444Ile). This variant is not present in population databases (gnomAD no frequency). This variant has not been reported in the literature in individuals affected with ABCB6-related conditions. An algorithm developed to predict the effect of missense changes on protein structure and function (PolyPhen-2) suggests that this variant is likely to be tolerated. In summary, the available evidence is currently insufficient to determine the role of this variant in disease. Therefore, it has been classified as a Variant of Uncertain Significance.

NM_005689.4(ABCB6):c.1331C>T (p.Thr444Ile)

Gene: ABCB6 (ATP binding cassette subfamily B member 6 (LAN blood group); minus strand). Cytogenetic location: 2q35.
Variant type: single nucleotide variant.
Coding change: c.1331C>T on transcript NM_005689.4 (MANE Select); coding-DNA position 1331, C replaced by T.
Protein change: p.Thr444Ile; replaces threonine 444 with isoleucine.
Molecular consequence: missense variant.
Genome position (GRCh38, 1-based): chr2:219,214,444, G>A on the plus strand (C>T on the coding strand, the complement: ABCB6 is on the minus strand). VCF-style: chr2-219214444-G-A. GRCh37 (hg19) VCF-style: chr2-220079166-G-A.
Other names: c.1193C>T, p.Thr398Ile (NM_001349828.2); short protein forms T444I, T398I.
Identifiers: ClinVar variation 2982441 (VCV002982441.3), dbSNP rs756165401, ClinGen allele CA2119452.
Genomic context (GRCh38, chr2:219,214,444, plus strand): 5'-GTTACCGTCTCGAAGTTTAGCAGAGAGTCCACTGCTCGTGCCCGGGTAGCGTTCTCCTGT[G>A]TGTTCATAGCACGACGAAACTTGGTTCTCCACTCAGTGACCACAATGGTCAGGGCTGGAG-3'
Protein context (NP_005680.1, residues 434-454): WRTKFRRAMN[Thr444Ile]QENATRARAV